The following is an entry in ClinVar:

ClinVar aggregate classification (germline): Uncertain significance (1 of 4 stars; one submission).

Conditions:
Shprintzen-Goldberg syndrome (SGS). Also called: Marfanoid disorder with craniosynostosis type 1; Marfanoid craniosynostosis syndrome; Shprintzen-Goldberg marfanoid syndrome; SHPRINTZEN-GOLDBERG CRANIOSYNOSTOSIS SYNDROME; CRANIOSYNOSTOSIS WITH ARACHNODACTYLY AND ABDOMINAL HERNIAS. Identifiers: Orphanet 2462, MedGen C1321551, MONDO:0008426, OMIM 182212.

Submission:

Labcorp Genetics (formerly Invitae), Labcorp
Classification: Uncertain significance for Shprintzen-Goldberg syndrome. Last evaluated: 2025-09-27. Review status: criteria provided, single submitter. Criteria: Invitae Variant Classification Sherloc (09022015). Collection method: clinical testing. Allele origin: germline.
Comment: This sequence change replaces alanine, which is neutral and non-polar, with glycine, which is neutral and non-polar, at codon 4 of the SKI protein (p.Ala4Gly). This variant is not present in population databases (gnomAD no frequency). This variant has not been reported in the literature in individuals affected with SKI-related conditions. Invitae Evidence Modeling of protein sequence and biophysical properties (such as structural, functional, and spatial information, amino acid conservation, physicochemical variation, residue mobility, and thermodynamic stability) indicates that this missense variant is not expected to disrupt SKI protein function with a negative predictive value of 95%. In summary, the available evidence is currently insufficient to determine the role of this variant in disease. Therefore, it has been classified as a Variant of Uncertain Significance.

NM_003036.4(SKI):c.11C>G (p.Ala4Gly)

Gene: SKI (SKI proto-oncogene; plus strand). Cytogenetic location: 1p36.33.
Variant type: single nucleotide variant.
Coding change: c.11C>G on transcript NM_003036.4 (MANE Select); coding-DNA position 11, C replaced by G.
Protein change: p.Ala4Gly; replaces alanine 4 with glycine.
Molecular consequence: missense variant.
Genome position (GRCh38, 1-based): chr1:2,228,777, C>G. VCF-style: chr1-2228777-C-G. GRCh37 (hg19) VCF-style: chr1-2160216-C-G.
Other names: short protein forms A4G.
Identifiers: ClinVar variation 4799787 (VCV004799787.1).